The following is an entry in ClinVar:

ClinVar aggregate classification (germline): Uncertain significance (1 of 4 stars; one submission).

Conditions:
Severe combined immunodeficiency due to IKK2 deficiency. Also called: IMMUNODEFICIENCY 15B; Immunodeficiency 15. Identifiers: Orphanet 397787, MedGen C4747743, MONDO:0014267, OMIM 615592.

Submission:

Labcorp Genetics (formerly Invitae), Labcorp
Classification: Uncertain significance for Severe combined immunodeficiency due to IKK2 deficiency. Last evaluated: 2024-12-29. Review status: criteria provided, single submitter. Criteria: Invitae Variant Classification Sherloc (09022015). Collection method: clinical testing. Allele origin: germline.
Comment: This sequence change replaces arginine, which is basic and polar, with serine, which is neutral and polar, at codon 549 of the IKBKB protein (p.Arg549Ser). This variant is not present in population databases (gnomAD no frequency). This variant has not been reported in the literature in individuals affected with IKBKB-related conditions. Invitae Evidence Modeling of protein sequence and biophysical properties (such as structural, functional, and spatial information, amino acid conservation, physicochemical variation, residue mobility, and thermodynamic stability) indicates that this missense variant is not expected to disrupt IKBKB protein function with a negative predictive value of 95%. In summary, the available evidence is currently insufficient to determine the role of this variant in disease. Therefore, it has been classified as a Variant of Uncertain Significance.

NM_001556.3(IKBKB):c.1647G>T (p.Arg549Ser)

Gene: IKBKB (inhibitor of nuclear factor kappa B kinase subunit beta; plus strand). Cytogenetic location: 8p11.21.
Variant type: single nucleotide variant.
Coding change: c.1647G>T on transcript NM_001556.3 (MANE Select); coding-DNA position 1647, G replaced by T.
Protein change: p.Arg549Ser; replaces arginine 549 with serine.
Molecular consequence: missense variant. On other transcripts: non-coding transcript variant (3).
Genome position (GRCh38, 1-based): chr8:42,320,803, G>T. VCF-style: chr8-42320803-G-T. GRCh37 (hg19) VCF-style: chr8-42178321-G-T.
Other names: c.1455G>T, p.Arg485Ser (NM_001190720.3); c.1470G>T, p.Arg490Ser (NM_001242778.2); short protein forms R485S, R490S, R549S.
Identifiers: ClinVar variation 3637083 (VCV003637083.2).